The following is an entry in ClinVar:

ClinVar aggregate classification (germline): Uncertain significance (1 of 4 stars; one submission).

gnomAD v4.1: 1 of 1,596,938 alleles (0.000063%); highest among the groups gnomAD compares: African/African-American, 0.0013%; no homozygotes.

Submission:

GeneDx
Classification: Uncertain significance. Last evaluated: 2026-03-17. Review status: criteria provided, single submitter. Criteria: GeneDx Variant Classification Process June 2021. Collection method: clinical testing. Allele origin: germline.
Comment: Not observed at significant frequency in large population cohorts (gnomAD); Has not been previously published as pathogenic or benign to our knowledge; In silico analysis suggests this variant may impact gene splicing. In the absence of RNA/functional studies, the actual effect of this sequence change is unknown.

NM_005151.4(USP14):c.1225+4A>G

Gene: USP14 (ubiquitin specific peptidase 14; plus strand). Cytogenetic location: 18p11.32.
Variant type: single nucleotide variant.
Coding change: c.1225+4A>G on transcript NM_005151.4 (MANE Select); 4 bases into the intron after coding-DNA position 1225, A replaced by G.
Molecular consequence: intron variant.
Genome position (GRCh38, 1-based): chr18:210,035, A>G. VCF-style: chr18-210035-A-G. GRCh37 (hg19) VCF-style: chr18-210035-A-G.
Other names: c.1120+4A>G (NM_001037334.2).
Identifiers: ClinVar variation 4976218 (VCV004976218.1).
Genomic context (GRCh38, chr18:210,035, plus strand): 5'-ACAAAAAGAGTAGTCCCCAGAAAGAAGTTAAGTATGAACCCTTTTCTTTTGCTGATGGTA[A>G]GTAACATTCTCATTTTAATTGAGTTATTGTATGTGGGTCTTTTTAAGGTAAAATTTACAT-3'